The following is an entry in ClinVar:

ClinVar aggregate classification (germline): Uncertain significance (1 of 4 stars; one submission).

Conditions:
Hereditary cancer-predisposing syndrome. Also called: Hereditary Cancer Syndrome; Hereditary neoplastic syndrome; Neoplastic Syndromes, Hereditary; Tumor predisposition. Identifiers: Orphanet 140162, MedGen C0027672, MeSH D009386, MONDO:0015356.

Submission:

Ambry Genetics
Classification: Uncertain significance for Hereditary cancer-predisposing syndrome. Last evaluated: 2024-02-26. Review status: criteria provided, single submitter. Criteria: Ambry Variant Classification Scheme 2023. Collection method: clinical testing. Allele origin: germline.
Comment: The p.Q147H variant (also known as c.441A>C), located in coding exon 1 of the CDKN1B gene, results from an A to C substitution at nucleotide position 441. The glutamine at codon 147 is replaced by histidine, an amino acid with highly similar properties. This amino acid position is conserved. In addition, this alteration is predicted to be tolerated by in silico analysis. Since supporting evidence is limited at this time, the clinical significance of this alteration remains unclear.

NM_004064.5(CDKN1B):c.441A>C (p.Gln147His)

Gene: CDKN1B (cyclin dependent kinase inhibitor 1B; plus strand). Cytogenetic location: 12p13.1.
Variant type: single nucleotide variant.
Coding change: c.441A>C on transcript NM_004064.5 (MANE Select); coding-DNA position 441, A replaced by C.
Protein change: p.Gln147His; replaces glutamine 147 with histidine.
Molecular consequence: missense variant.
Genome position (GRCh38, 1-based): chr12:12,718,280, A>C. VCF-style: chr12-12718280-A-C. GRCh37 (hg19) VCF-style: chr12-12871214-A-C.
Other names: short protein forms Q147H.
Identifiers: ClinVar variation 1740448 (VCV001740448.2), dbSNP rs1244947949, ClinGen allele CA383970800.
Genomic context (GRCh38, chr12:12,718,280, plus strand): 5'-CACGCATTTGGTGGACCCAAAGACTGATCCGTCGGACAGCCAGACGGGGTTAGCGGAGCA[A>C]TGCGCAGGAATAAGGAAGCGACCTGCAACCGACGGTAATGACCCTTTCCCAACCATAGAA-3'
Protein context (NP_004055.1, residues 137-157): PSDSQTGLAE[Gln147His]CAGIRKRPAT